The following is an entry in ClinVar:

ClinVar aggregate classification (germline): Benign. Review status: criteria provided, multiple submitters, no conflicts (2 of 4 stars). 4 submissions from 4 submitters: Benign (2). 2 of the submissions do not count toward it. Last evaluated 2024-07-15.

Submissions (4):

Unidad de Genómica Garrahan, Hospital de Pediatría Garrahan
Classification: Benign. Last evaluated: 2024-07-15. Review status: criteria provided, single submitter. Criteria: ACMG Guidelines, 2015. Collection method: clinical testing. Allele origin: germline. Affected: no. Observed: 41 variant alleles.
Comment: This variant is classified as Benign based on local population frequency. This variant was detected in 44% of patients studied in a panel designed for Epileptic and Developmental Encephalopathy and Progressive Myoclonus Epilepsy. Number of patients: 41. Only high quality variants are reported.

GeneDx
Classification: Benign. Last evaluated: 2018-07-05. Review status: criteria provided, single submitter. Criteria: GeneDx Variant Classification Process June 2021. Collection method: clinical testing. Allele origin: germline. Affected: yes.

Diagnostic Laboratory, Department of Genetics, University Medical Center Groningen
Classification: Benign. Review status: no assertion criteria provided. Collection method: clinical testing. Allele origin: germline. Affected: yes. Study: VKGL Data-share Consensus. Not counted in ClinVar's aggregate classification.

Genome Diagnostics Laboratory, Amsterdam University Medical Center
Classification: Likely benign. Review status: no assertion criteria provided. Collection method: clinical testing. Allele origin: germline. Affected: yes. Study: VKGL Data-share Consensus. Not counted in ClinVar's aggregate classification.

NM_022089.4(ATP13A2):c.3235+44_3235+55del

Gene: ATP13A2 (ATPase cation transporting 13A2; minus strand). Cytogenetic location: 1p36.13.
Variant type: Deletion.
Coding change: c.3235+44_3235+55del on transcript NM_022089.4 (MANE Select); bases 44 to 55 of the intron after coding-DNA position 3235, 12 bases deleted (AGGAGCCCTGGG).
Molecular consequence: intron variant.
Genome position (GRCh38, 1-based): chr1:16,986,750-16,986,761, CCCAGGGCTCCT deleted on the plus strand (AGGAGCCCTGGG on the coding strand, the reverse complement: ATP13A2 is on the minus strand); deleting any 12 consecutive bases within chr1:16,986,750-16,986,764 gives the same sequence; the c. name uses the placement nearest the transcript's 3' end. VCF-style (leftmost placement, unchanged base first): chr1-16986749-CCCCAGGGCTCCT-C. GRCh37 (hg19) VCF-style: chr1-17313244-CCCCAGGGCTCCT-C.
Other names: c.3103+44_3103+55del (NM_001141974.3); c.3220+44_3220+55del (NM_001141973.3).
Identifiers: ClinVar variation 1174788 (VCV001174788.8), dbSNP rs143483351, ClinGen allele CA18625476.